The following is an entry in ClinVar:

NM_001330360.2(POLA1):c.3623A>G (p.Asp1208Gly)

Gene: POLA1 (DNA polymerase alpha 1, catalytic subunit; plus strand). Cytogenetic location: Xp22.11.
Variant type: single nucleotide variant.
Coding change: c.3623A>G on transcript NM_001330360.2 (MANE Select); coding-DNA position 3623, A replaced by G.
Protein change: p.Asp1208Gly; replaces aspartic acid 1208 with glycine.
Molecular consequence: missense variant. On other transcripts: non-coding transcript variant (2).
Genome position (GRCh38, 1-based): chrX:24,826,488, A>G. VCF-style: chrX-24826488-A-G. GRCh37 (hg19) VCF-style: chrX-24844605-A-G.
Other names: c.3548A>G, p.Asp1183Gly (NM_001378303.1); c.3605A>G, p.Asp1202Gly (NM_016937.4); c.3605A>G (NM_016937.3); short protein forms D1202G, D1208G, D1183G.
Identifiers: ClinVar variation 1960275 (VCV001960275.3), dbSNP rs749087297, ClinGen allele CA10373591.

ClinVar aggregate classification (germline): Uncertain significance. Review status: criteria provided, multiple submitters, no conflicts (2 of 4 stars). 2 submissions from 2 submitters: Uncertain significance (2). Last evaluated 2023-10-06.

Conditions:
Inborn genetic diseases. Identifiers: MedGen C0950123, MeSH D030342.

Allele frequency attached by ClinVar (database versions not stated): TOPMed below 0.00001; ExAC 0.00001; gnomAD 0.00001; gnomAD exomes 0.00001.
gnomAD v4.1: 11 of 1,204,436 alleles (0.00091%); highest among the groups gnomAD compares: Non-Finnish European, 0.0011%; no homozygotes.

Submissions (2):

Ambry Genetics
Classification: Uncertain significance for Inborn genetic diseases. Last evaluated: 2023-10-06. Review status: criteria provided, single submitter. Criteria: Ambry Variant Classification Scheme 2023. Collection method: clinical testing. Allele origin: germline.

Labcorp Genetics (formerly Invitae), Labcorp
Classification: Uncertain significance. Last evaluated: 2022-09-13. Review status: criteria provided, single submitter. Criteria: Invitae Variant Classification Sherloc (09022015). Collection method: clinical testing. Allele origin: germline.
Comment: This sequence change replaces aspartic acid, which is acidic and polar, with glycine, which is neutral and non-polar, at codon 1202 of the POLA1 protein (p.Asp1202Gly). This variant is present in population databases (rs749087297, gnomAD 0.004%), including at least one homozygous and/or hemizygous individual. This variant has not been reported in the literature in individuals affected with POLA1-related conditions. Advanced modeling of protein sequence and biophysical properties (such as structural, functional, and spatial information, amino acid conservation, physicochemical variation, residue mobility, and thermodynamic stability) performed at Invitae indicates that this missense variant is not expected to disrupt POLA1 protein function. In summary, the available evidence is currently insufficient to determine the role of this variant in disease. Therefore, it has been classified as a Variant of Uncertain Significance.